The following is an entry in ClinVar:

ClinVar aggregate classification (germline): Uncertain significance (1 of 4 stars; one submission).

Conditions:
Hereditary cancer-predisposing syndrome. Also called: Neoplastic Syndromes, Hereditary; Tumor predisposition; Hereditary Cancer Syndrome; Hereditary neoplastic syndrome. Identifiers: Orphanet 140162, MedGen C0027672, MeSH D009386, MONDO:0015356.

Submission:

Ambry Genetics
Classification: Uncertain significance for Hereditary cancer-predisposing syndrome. Last evaluated: 2022-04-25. Review status: criteria provided, single submitter. Criteria: Ambry Variant Classification Scheme 2023. Collection method: clinical testing. Allele origin: germline.
Comment: The p.I21M variant (also known as c.63C>G), located in coding exon 2 of the PDGFRA gene, results from a C to G substitution at nucleotide position 63. The isoleucine at codon 21 is replaced by methionine, an amino acid with highly similar properties. This amino acid position is conserved. In addition, this alteration is predicted to be tolerated by in silico analysis. Since supporting evidence is limited at this time, the clinical significance of this alteration remains unclear.

NM_006206.6(PDGFRA):c.63C>G (p.Ile21Met)

Gene: PDGFRA (platelet derived growth factor receptor alpha; plus strand). Cytogenetic location: 4q12.
Variant type: single nucleotide variant.
Coding change: c.63C>G on transcript NM_006206.6 (MANE Select); coding-DNA position 63, C replaced by G.
Protein change: p.Ile21Met; replaces isoleucine 21 with methionine.
Molecular consequence: missense variant.
Genome position (GRCh38, 1-based): chr4:54,261,108, C>G. VCF-style: chr4-54261108-C-G. GRCh37 (hg19) VCF-style: chr4-55127275-C-G.
Other names: c.63C>G, p.Ile21Met (NM_001347827.2, NM_001347829.2); c.138C>G, p.Ile46Met (NM_001347828.2); c.102C>G, p.Ile34Met (NM_001347830.2); short protein forms I21M, I34M, I46M.
Identifiers: ClinVar variation 1753298 (VCV001753298.2), dbSNP rs2475421105, ClinGen allele CA356888169.
Genomic context (GRCh38, chr4:54,261,108, plus strand): 5'-CTGTCCTTTCTGACTGCATCCTATTCAGAGCGTGCTTCCTTTTGCAGGGCTGAGCCTAAT[C>G]CTCTGCCAGCTTTCATTACCCTCTATCCTTCCAAATGAAAATGAAAAGGTTGTGCAGCTG-3'
Protein context (NP_006197.1, residues 11-31): LGCLLTGLSL[Ile21Met]LCQLSLPSIL